The following is an entry in ClinVar:

ClinVar aggregate classification (germline): Pathogenic (3 of 4 stars; one submission).

Conditions:
Glanzmann thrombasthenia. Also called: BLEEDING DISORDER, PLATELET-TYPE, 2; THROMBASTHENIA OF GLANZMANN AND NAEGELI; PLATELET GLYCOPROTEIN IIb-IIIa DEFICIENCY; Glanzmann's thrombasthenia; Thrombasthenia. Identifiers: Orphanet 849, MedGen C0040015, MONDO:0100326.

Allele frequency attached by ClinVar (database versions not stated): gnomAD exomes below 0.00001.
gnomAD v4.1: 1 of 1,604,508 alleles (0.000062%); highest among the groups gnomAD compares: East Asian, 0.0022%; no homozygotes.

Submission:

ClinGen Platelet Disorders Variant Curation Expert Panel, ClinGen
Classification: Pathogenic for Glanzmann thrombasthenia. Last evaluated: 2023-06-01. Review status: reviewed by expert panel. Criteria: ClinGen Platelet ACMG Specifications v2-1. Collection method: curation. Allele origin: germline. Inheritance: Autosomal recessive inheritance.
Comment: The NM_000419.5(ITGA2B):c.399C>G (p.Asp133Glu) missense variant was reported in a patient with type 1 GT (PMID 15717695). This variant is absent from the gnomAD database v2.1.1 (PM2_Supporting). It has a REVEL score of 0.288 which does not meet the threshold established by the PD EP, however, SpliceAI predicts the gain of a donor splice site (0.83) at this location (PP3_Met). Patient RNA confirmed that the c.399C>G variant creates a new donor splice site at this location, resulting in a 9–base pair deletion (c.400-408) that would result in an amino acid substitution Asp133Glu and an in-frame deletion of 3 amino acid residues (PM4).This variant was identified in a patient with GT type 1 (PMID 15717695) with severe intestinal bleeding. The patient's platelet aggregation study showed no response to ADP or collagen but did show a normal response to ristocetin. GPIIb was completely absent with a faint amount of GPIIIa when analyzed using immunoblot (PP4_Moderate). 293-Tcells were transfected with mutant GPIIb cDNA of this missense variant constructed using PCR mutagenesis. The construct was cotransfected into 293-T cells with wild-type GPIIIa cDNA Flow cytometry demonstrated no detectable amounts of GPIIbIIIa complexes or GPIIb on the surface of transfected 293-T cells, but normal expression was observed with the wildtype GPIIb (PS3). In summary, this variant meets the criteria to be classified as pathogenic for autosomal recessive Glanzmann Thrombasthenia based on the ACMG/AMP criteria applied, as specified by the ClinGen PD VCEP: PM2_supporting, PP3, PM3_Supporting, PP4_Moderate, PS3, PM4 (VCEP specifications version 2.1).

Literature cited by the submitters: PubMed 15717695.

NM_000419.5(ITGA2B):c.399C>G (p.Asp133Glu)

Genes: ITGA2B (integrin subunit alpha 2b; minus strand), LOC130060983 (ATAC-STARR-seq lymphoblastoid active region 12261; plus strand). Cytogenetic location: 17q21.31.
Variant type: single nucleotide variant.
Coding change: c.399C>G on transcript NM_000419.5 (MANE Select); coding-DNA position 399, C replaced by G.
Protein change: p.Asp133Glu; replaces aspartic acid 133 with glutamic acid.
Molecular consequence: missense variant.
Genome position (GRCh38, 1-based): chr17:44,385,833, G>C on the plus strand (C>G on the coding strand, the complement: ITGA2B is on the minus strand). VCF-style: chr17-44385833-G-C. GRCh37 (hg19) VCF-style: chr17-42463201-G-C.
Other names: NM_000419.5:c.399C>G; short protein forms D133E.
Identifiers: ClinVar variation 2506415 (VCV002506415.1), dbSNP rs2510085154, ClinGen allele CA399806084.